The following is an entry in ClinVar:

ClinVar aggregate classification (germline): Uncertain significance (1 of 4 stars; one submission).

Conditions:
Intellectual developmental disorder, X-linked, syndromic, Turner type. Also called: X-linked intellectual disability, Turner type; Intellectual disability, X-linked syndromic, Turner type. Identifiers: Orphanet 3056, Orphanet 85328, MedGen C2678046, MONDO:0010407, OMIM 309590.

Submission:

Laboratorio de Genetica e Diagnostico Molecular, Hospital Israelita Albert Einstein
Classification: Uncertain significance for Intellectual developmental disorder, X-linked, syndromic, Turner type. Last evaluated: 2022-05-26. Review status: criteria provided, single submitter. Criteria: ACMG Guidelines, 2015. Collection method: clinical testing. Allele origin: germline. Affected: yes. Observed: 1 variant allele.
Comment: ACMG classification criteria: PM2 moderated, BP4 supporting

NM_031407.7(HUWE1):c.9608G>A (p.Ser3203Asn)

Gene: HUWE1 (HECT, UBA and WWE domain containing E3 ubiquitin protein ligase 1; minus strand). Cytogenetic location: Xp11.22.
Variant type: single nucleotide variant.
Coding change: c.9608G>A on transcript NM_031407.7 (MANE Select); coding-DNA position 9608, G replaced by A.
Protein change: p.Ser3203Asn; replaces serine 3203 with asparagine.
Molecular consequence: missense variant.
Genome position (GRCh38, 1-based): chrX:53,549,386, C>T on the plus strand (G>A on the coding strand, the complement: HUWE1 is on the minus strand). VCF-style: chrX-53549386-C-T. GRCh37 (hg19) VCF-style: chrX-53576347-C-T.
Other names: short protein forms S3203N.
Identifiers: ClinVar variation 2431672 (VCV002431672.1), dbSNP rs2523229499, ClinGen allele CA413137868.